The following is an entry in ClinVar:

ClinVar aggregate classification (germline): Uncertain significance. Review status: criteria provided, multiple submitters, no conflicts (2 of 4 stars). 2 submissions from 2 submitters: Uncertain significance (2). Last evaluated 2022-06-21.

Conditions:
Inborn genetic diseases. Identifiers: MedGen C0950123, MeSH D030342.
Brown-Vialetto-van Laere syndrome 2. Also called: Riboflavin transporter deficiency type 2; SPINOCEREBELLAR ATAXIA WITH BLINDNESS AND DEAFNESS 2. Identifiers: Orphanet 572543, Orphanet 97229, MedGen C3553538, MONDO:0013867, OMIM 614707.

Allele frequency attached by ClinVar (database versions not stated): gnomAD exomes 0.00001.
gnomAD v4.1: 8 of 1,613,664 alleles (0.0005%); highest among the groups gnomAD compares: Admixed American, 0.0017%; no homozygotes.

Submissions (2):

Ambry Genetics
Classification: Uncertain significance for Inborn genetic diseases. Last evaluated: 2022-06-21. Review status: criteria provided, single submitter. Criteria: Ambry Variant Classification Scheme 2023. Collection method: clinical testing. Allele origin: germline.
Comment: The p.A96V variant (also known as c.287C>T), located in coding exon 2 of the SLC52A2 gene, results from a C to T substitution at nucleotide position 287. The alanine at codon 96 is replaced by valine, an amino acid with similar properties. This amino acid position is conserved. In addition, the in silico prediction for this alteration is inconclusive. Since supporting evidence is limited at this time, the clinical significance of this alteration remains unclear.

Labcorp Genetics (formerly Invitae), Labcorp
Classification: Uncertain significance for Brown-Vialetto-van Laere syndrome 2. Last evaluated: 2021-12-21. Review status: criteria provided, single submitter. Criteria: Invitae Variant Classification Sherloc (09022015). Collection method: clinical testing. Allele origin: germline.
Comment: In summary, the available evidence is currently insufficient to determine the role of this variant in disease. Therefore, it has been classified as a Variant of Uncertain Significance. Advanced modeling of protein sequence and biophysical properties (such as structural, functional, and spatial information, amino acid conservation, physicochemical variation, residue mobility, and thermodynamic stability) performed at Invitae indicates that this missense variant is expected to disrupt SLC52A2 protein function. This variant has not been reported in the literature in individuals affected with SLC52A2-related conditions. This variant is present in population databases (no rsID available, gnomAD 0.003%). This sequence change replaces alanine, which is neutral and non-polar, with valine, which is neutral and non-polar, at codon 96 of the SLC52A2 protein (p.Ala96Val).

NM_001363118.2(SLC52A2):c.287C>T (p.Ala96Val)

Gene: SLC52A2 (solute carrier family 52 member 2; plus strand). Cytogenetic location: 8q24.3.
Variant type: single nucleotide variant.
Coding change: c.287C>T on transcript NM_001363118.2 (MANE Select); coding-DNA position 287, C replaced by T.
Protein change: p.Ala96Val; replaces alanine 96 with valine.
Molecular consequence: missense variant. On other transcripts: non-coding transcript variant (1), intron variant (1).
Genome position (GRCh38, 1-based): chr8:144,359,779, C>T. VCF-style: chr8-144359779-C-T. GRCh37 (hg19) VCF-style: chr8-145583439-C-T.
Other names: c.287C>T, p.Ala96Val (NM_001253815.2, NM_001253816.2, NM_001363120.2 and 2 more transcripts); c.23C>T, p.Ala8Val (NM_001410949.1); c.131-336C>T (NM_001363122.2); short protein forms A8V, A96V.
Identifiers: ClinVar variation 1797154 (VCV001797154.7), dbSNP rs1554853898, ClinGen allele CA372626701.